The following is an entry in ClinVar:

ClinVar aggregate classification (germline): Benign. Review status: criteria provided, multiple submitters, no conflicts (2 of 4 stars). 4 submissions from 4 submitters: Benign (3). 1 of the submissions does not count toward it. Last evaluated 2026-01-31.

Conditions:
Deficiency of hyaluronoglucosaminidase (MPS9). Also called: MPS IX; HYALURONIDASE DEFICIENCY; Mucopolysaccharidosis type 9. Identifiers: Orphanet 67041, MedGen C1291490, MONDO:0011093, OMIM 601492.

Allele frequency attached by ClinVar (database versions not stated): gnomAD exomes 0.00098 and 0.00246; ExAC 0.00322; 1000 Genomes Project 0.00819; 1000 Genomes Project 30x 0.00859; gnomAD 0.00981 and 0.01056; TOPMed 0.01154; ESP Exome Variant Server 0.01169.
gnomAD v4.1: 2,977 of 1,614,146 alleles (0.18%); highest among the groups gnomAD compares: African/African-American, 3.6%; 41 homozygotes.

Submissions (4):

Labcorp Genetics (formerly Invitae), Labcorp
Classification: Benign for Deficiency of hyaluronoglucosaminidase. Last evaluated: 2026-01-31. Review status: criteria provided, single submitter. Criteria: Invitae Variant Classification Sherloc (09022015). Collection method: clinical testing. Allele origin: germline.

Illumina Laboratory Services, Illumina
Classification: Benign for Deficiency of hyaluronoglucosaminidase. Last evaluated: 2018-01-13. Review status: criteria provided, single submitter. Criteria: ICSL Variant Classification Criteria 13 December 2019. Collection method: clinical testing. Allele origin: germline.
Comment: This variant was observed in the ICSL laboratory as part of a predisposition screen in an ostensibly healthy population. It had not been previously curated by ICSL or reported in the Human Gene Mutation Database (HGMD: prior to June 1st, 2018), and was therefore a candidate for classification through an automated scoring system. Utilizing variant allele frequency, disease prevalence and penetrance estimates, and inheritance mode, an automated score was calculated to assess if this variant is too frequent to cause the disease. Based on the score and internal cut-off values, a variant classified as benign is not then subjected to further curation. The score for this variant resulted in a classification of benign for this disease.

Breakthrough Genomics
Classification: Benign. Review status: criteria provided, single submitter. Criteria: ACMG Guidelines, 2015. Collection method: not provided. Allele origin: germline. Inheritance: Autosomal recessive inheritance. Affected: yes.

Natera, Inc.
Classification: Benign for Mucopolysaccharidosis type IX. Last evaluated: 2020-09-16. Review status: no assertion criteria provided. Collection method: clinical testing. Allele origin: germline. Not counted in ClinVar's aggregate classification.

NM_033159.4(HYAL1):c.384C>T (p.Ile128=)

Gene: HYAL1 (hyaluronidase 1; minus strand). Cytogenetic location: 3p21.31.
Variant type: single nucleotide variant.
Coding change: c.384C>T on transcript NM_033159.4 (MANE Select); coding-DNA position 384, C replaced by T.
Protein change: p.Ile128=; no amino-acid change (isoleucine 128 retained).
Molecular consequence: synonymous variant. On other transcripts: 5 prime UTR variant (1), non-coding transcript variant (1), intron variant (1).
Genome position (GRCh38, 1-based): chr3:50,302,573, G>A on the plus strand (C>T on the coding strand, the complement: HYAL1 is on the minus strand). VCF-style: chr3-50302573-G-A. GRCh37 (hg19) VCF-style: chr3-50340004-G-A.
Other names: c.384C>T, p.Ile128= (NM_153281.2, NM_153282.3); c.-163C>T (NM_153283.3); c.-26-368C>T (NM_153285.3).
Identifiers: ClinVar variation 346088 (VCV000346088.16), dbSNP rs116097974, ClinGen allele CA2415963.